The following is an entry in ClinVar:

NM_020745.4(AARS2):c.436-2A>C

Gene: AARS2 (alanyl-tRNA synthetase 2, mitochondrial; minus strand). Cytogenetic location: 6p21.1.
Variant type: single nucleotide variant.
Coding change: c.436-2A>C on transcript NM_020745.4 (MANE Select); the canonical splice acceptor site of the intron before coding-DNA position 436, A replaced by C.
Molecular consequence: splice acceptor variant.
Genome position (GRCh38, 1-based): chr6:44,311,537, T>G on the plus strand (A>C on the coding strand, the complement: AARS2 is on the minus strand). VCF-style: chr6-44311537-T-G. GRCh37 (hg19) VCF-style: chr6-44279274-T-G.
Identifiers: ClinVar variation 1723425 (VCV001723425.1), dbSNP rs761923538, ClinGen allele CA3834630.

ClinVar aggregate classification (germline): Likely pathogenic (1 of 4 stars; one submission).

Conditions:
AARS2-related disorder. Also called: AARS2-related disorders; AARS2-related condition. Identifiers: MedGen CN381518, MONDO:1060240.

Allele frequency attached by ClinVar (database versions not stated): ExAC 0.00001; gnomAD 0.00002.
gnomAD v4.1: 7 of 1,610,472 alleles (0.00043%); highest among the groups gnomAD compares: Non-Finnish European, 0.00059%; no homozygotes.

Submission:

Women's Health and Genetics/Laboratory Corporation of America, LabCorp
Classification: Likely pathogenic for AARS2-Related Disorders. Last evaluated: 2022-10-29. Review status: criteria provided, single submitter. Criteria: LabCorp Variant Classification Summary - May 2015. Collection method: clinical testing. Allele origin: germline.
Comment: Variant summary: AARS2 c.436-2A>C is located in a canonical splice-site and is predicted to affect mRNA splicing resulting in a significantly altered protein due to either exon skipping, shortening, or inclusion of intronic material. Several computational tools predict a significant impact on normal splicing: Four predict the variant abolishes the canonical 3' acceptor site, and one predicts the variant creates a new cryptic 3' acceptor site three nucleotides into exon 3. However, these predictions have yet to be confirmed by functional studies. The variant allele was found at a frequency of 7.1e-06 in 282462 control chromosomes (gnomAD). To our knowledge, no occurrence of c.436-2A>C in individuals affected with AARS2-Related Disorders and no experimental evidence demonstrating its impact on protein function have been reported. No clinical diagnostic laboratories have submitted clinical-significance assessments for this variant to ClinVar after 2014. Based on the evidence outlined above, the variant was classified as likely pathogenic.